The following is an entry in ClinVar:

NM_024757.5(EHMT1):c.3145C>T (p.Pro1049Ser)

Gene: EHMT1 (euchromatic histone lysine methyltransferase 1; plus strand). Cytogenetic location: 9q34.3.
Variant type: single nucleotide variant.
Coding change: c.3145C>T on transcript NM_024757.5 (MANE Select); coding-DNA position 3145, C replaced by T.
Protein change: p.Pro1049Ser; replaces proline 1049 with serine.
Molecular consequence: missense variant.
Genome position (GRCh38, 1-based): chr9:137,813,495, C>T. VCF-style: chr9-137813495-C-T. GRCh37 (hg19) VCF-style: chr9-140707947-C-T.
Other names: c.3124C>T, p.Pro1042Ser (NM_001354263.2); short protein forms P1042S, P1049S.
Identifiers: ClinVar variation 2824774 (VCV002824774.3), dbSNP rs2538662662, ClinGen allele CA375794460.

ClinVar aggregate classification (germline): Uncertain significance (1 of 4 stars; one submission).

Conditions:
Kleefstra syndrome 1 (KLEFS1). Identifiers: Orphanet 261494, MedGen C0795833, MONDO:0027407, OMIM 610253.

Submission:

Labcorp Genetics (formerly Invitae), Labcorp
Classification: Uncertain significance for Kleefstra syndrome 1. Last evaluated: 2024-08-05. Review status: criteria provided, single submitter. Criteria: Invitae Variant Classification Sherloc (09022015). Collection method: clinical testing. Allele origin: germline.
Comment: This sequence change replaces proline, which is neutral and non-polar, with serine, which is neutral and polar, at codon 1049 of the EHMT1 protein (p.Pro1049Ser). This variant is not present in population databases (gnomAD no frequency). This variant has not been reported in the literature in individuals affected with EHMT1-related conditions. Advanced modeling of protein sequence and biophysical properties (such as structural, functional, and spatial information, amino acid conservation, physicochemical variation, residue mobility, and thermodynamic stability) performed at Invitae indicates that this missense variant is not expected to disrupt EHMT1 protein function with a negative predictive value of 80%. In summary, the available evidence is currently insufficient to determine the role of this variant in disease. Therefore, it has been classified as a Variant of Uncertain Significance.